The following is an entry in ClinVar:

NM_000053.4(ATP7B):c.550G>A (p.Val184Ile)

Gene: ATP7B (ATPase copper transporting beta; minus strand). Cytogenetic location: 13q14.3.
Variant type: single nucleotide variant.
Coding change: c.550G>A on transcript NM_000053.4 (MANE Select); coding-DNA position 550, G replaced by A.
Protein change: p.Val184Ile; replaces valine 184 with isoleucine.
Molecular consequence: missense variant.
Genome position (GRCh38, 1-based): chr13:51,974,670, C>T on the plus strand (G>A on the coding strand, the complement: ATP7B is on the minus strand). VCF-style: chr13-51974670-C-T. GRCh37 (hg19) VCF-style: chr13-52548806-C-T.
Other names: c.550G>A, p.Val184Ile (NM_001005918.3, NM_001243182.2, NM_001330578.2 and 1 more transcripts); short protein forms V184I.
Identifiers: ClinVar variation 658656 (VCV000658656.14), dbSNP rs199634511, ClinGen allele CA6989537.

ClinVar aggregate classification (germline): Uncertain significance. Review status: criteria provided, multiple submitters, no conflicts (2 of 4 stars). 6 submissions from 6 submitters: Uncertain significance (5). 1 of the submissions does not count toward it. Last evaluated 2025-08-19.

Conditions:
Wilson disease (WND). Also called: Wilson's disease. Identifiers: Orphanet 905, MedGen C0019202, MONDO:0010200, OMIM 277900. Disease mechanism: loss of function.

Allele frequency attached by ClinVar (database versions not stated): gnomAD 0.00002 and 0.00004; gnomAD exomes 0.00005 and 0.00006; TOPMed 0.00006; ExAC 0.00007.
gnomAD v4.1: 82 of 1,610,884 alleles (0.0051%); highest among the groups gnomAD compares: Admixed American, 0.0067%; no homozygotes.

Submissions (6):

Color Diagnostics, LLC DBA Color Health
Classification: Uncertain significance for Wilson disease. Last evaluated: 2025-08-19. Review status: criteria provided, single submitter. Criteria: ACMG Guidelines, 2015. Collection method: clinical testing. Allele origin: germline.
Comment: This missense variant replaces valine with isoleucine at codon 184 of the ATP7B protein. Computational prediction suggests that this variant may not impact protein structure and function. To our knowledge, functional studies have not been reported for this variant. This variant has not been reported in individuals affected with ATP7B-related disorders in the literature. This variant has been identified in 17/280360 chromosomes in the general population by the Genome Aggregation Database (gnomAD). The available evidence is insufficient to determine the role of this variant in disease conclusively. Therefore, this variant is classified as a Variant of Uncertain Significance.

Women's Health and Genetics/Laboratory Corporation of America, LabCorp
Classification: Uncertain significance. Last evaluated: 2025-06-27. Review status: criteria provided, single submitter. Criteria: LabCorp Variant Classification Summary - May 2015. Collection method: clinical testing. Allele origin: germline.
Comment: Variant summary: ATP7B c.550G>A (p.Val184Ile) results in a conservative amino acid change in the encoded protein sequence. Algorithms developed to predict the effect of missense changes on protein structure and function all suggest that this variant is likely to be tolerated. The variant allele was found at a frequency of 6.4e-05 in 248974 control chromosomes. This frequency is not significantly higher than estimated for a pathogenic variant in ATP7B causing Wilson Disease (6.4e-05 vs 0.0054), allowing no conclusion about variant significance. To our knowledge, no occurrence of c.550G>A in individuals affected with Wilson Disease and no experimental evidence demonstrating its impact on protein function have been reported. ClinVar contains an entry for this variant (Variation ID: 658656). Based on the evidence outlined above, the variant was classified as uncertain significance.

Labcorp Genetics (formerly Invitae), Labcorp
Classification: Uncertain significance for Wilson disease. Last evaluated: 2024-12-09. Review status: criteria provided, single submitter. Criteria: Invitae Variant Classification Sherloc (09022015). Collection method: clinical testing. Allele origin: germline.
Comment: This sequence change replaces valine, which is neutral and non-polar, with isoleucine, which is neutral and non-polar, at codon 184 of the ATP7B protein (p.Val184Ile). This variant is present in population databases (rs199634511, gnomAD 0.01%). This variant has not been reported in the literature in individuals affected with ATP7B-related conditions. ClinVar contains an entry for this variant (Variation ID: 658656). Invitae Evidence Modeling of protein sequence and biophysical properties (such as structural, functional, and spatial information, amino acid conservation, physicochemical variation, residue mobility, and thermodynamic stability) indicates that this missense variant is not expected to disrupt ATP7B protein function with a negative predictive value of 95%. In summary, the available evidence is currently insufficient to determine the role of this variant in disease. Therefore, it has been classified as a Variant of Uncertain Significance.

Fulgent Genetics
Classification: Uncertain significance for Wilson disease. Last evaluated: 2024-04-23. Review status: criteria provided, single submitter. Criteria: ACMG Guidelines, 2015. Collection method: clinical testing. Allele origin: germline.

All of Us Research Program, National Institutes of Health
Classification: Uncertain significance for Wilson disease. Last evaluated: 2023-12-13. Review status: criteria provided, single submitter. Criteria: ACMG Guidelines, 2015. Collection method: clinical testing. Allele origin: germline. Inheritance: Autosomal recessive inheritance. Observed: 10 variant alleles, 10 heterozygotes.
Comment: This missense variant replaces valine with isoleucine at codon 184 of the ATP7B protein. Computational prediction suggests that this variant may not impact protein structure and function (internally defined REVEL score threshold <= 0.5, PMID: 27666373). To our knowledge, functional studies have not been reported for this variant. This variant has not been reported in individuals affected with ATP7B-related disorders in the literature. This variant has been identified in 17/280360 chromosomes in the general population by the Genome Aggregation Database (gnomAD). The available evidence is insufficient to determine the role of this variant in disease conclusively. Therefore, this variant is classified as a Variant of Uncertain Significance.

This study involves interpretation of variants in research participants for the purpose of population health screening. Participant phenotype was not available at the time of variant classification. Additional details can be found in publication PMID: 35346344, PMCID: PMC8962531

Natera, Inc.
Classification: Uncertain significance for Wilson disease. Last evaluated: 2020-02-14. Review status: no assertion criteria provided. Collection method: clinical testing. Allele origin: germline. Not counted in ClinVar's aggregate classification.